The following is an entry in ClinVar:

ClinVar aggregate classification (germline): Uncertain significance (1 of 4 stars; one submission).

Conditions:
Glycine encephalopathy. Also called: Nonketotic hyperglycinemia; Non-ketotic hyperglycinemia. Identifiers: Orphanet 407, MedGen C0751748, MONDO:0011612, HP:0008288.

Allele frequency attached by ClinVar (database versions not stated): gnomAD exomes below 0.00001 and 0.00002; TOPMed 0.00001; ExAC 0.00002.
gnomAD v4.1: 5 of 1,613,688 alleles (0.00031%); highest among the groups gnomAD compares: Admixed American, 0.0033%; no homozygotes.

Submission:

Labcorp Genetics (formerly Invitae), Labcorp
Classification: Uncertain significance for Glycine encephalopathy. Last evaluated: 2022-06-13. Review status: criteria provided, single submitter. Criteria: Invitae Variant Classification Sherloc (09022015). Collection method: clinical testing. Allele origin: germline.
Comment: This sequence change replaces tyrosine, which is neutral and polar, with cysteine, which is neutral and slightly polar, at codon 239 of the GLDC protein (p.Tyr239Cys). This variant is present in population databases (rs781364515, gnomAD 0.003%). This variant has not been reported in the literature in individuals affected with GLDC-related conditions. Algorithms developed to predict the effect of missense changes on protein structure and function are either unavailable or do not agree on the potential impact of this missense change (SIFT: "Tolerated"; PolyPhen-2: "Possibly Damaging"; Align-GVGD: "Class C0"). In summary, the available evidence is currently insufficient to determine the role of this variant in disease. Therefore, it has been classified as a Variant of Uncertain Significance.

NM_000170.3(GLDC):c.716A>G (p.Tyr239Cys)

Gene: GLDC (glycine decarboxylase; minus strand). Cytogenetic location: 9p24.1.
Variant type: single nucleotide variant.
Coding change: c.716A>G on transcript NM_000170.3 (MANE Select); coding-DNA position 716, A replaced by G.
Protein change: p.Tyr239Cys; replaces tyrosine 239 with cysteine.
Molecular consequence: missense variant.
Genome position (GRCh38, 1-based): chr9:6,605,276, T>C on the plus strand (A>G on the coding strand, the complement: GLDC is on the minus strand). VCF-style: chr9-6605276-T-C. GRCh37 (hg19) VCF-style: chr9-6605276-T-C.
Other names: short protein forms Y239C.
Identifiers: ClinVar variation 1514659 (VCV001514659.5), dbSNP rs781364515, ClinGen allele CA4980999.